The following is an entry in ClinVar:

ClinVar aggregate classification (germline): Uncertain significance (1 of 4 stars; one submission).

Allele frequency attached by ClinVar (database versions not stated): gnomAD 0.00001; gnomAD exomes 0.00001 and 0.00005; TOPMed 0.00001; ExAC 0.00001.

Submission:

GeneDx
Classification: Uncertain significance. Last evaluated: 2025-12-26. Review status: criteria provided, single submitter. Criteria: GeneDx Variant Classification Process June 2021. Collection method: clinical testing. Allele origin: germline. Affected: yes.
Comment: Frameshift variant predicted to result in protein truncation or nonsense mediated decay in a gene for which loss of function is a known mechanism of disease; Has not been previously published as pathogenic or benign to our knowledge; This variant is associated with the following publications: (PMID: 34662886)

NM_000078.3(CETP):c.953_962del (p.Phe318fs)

Gene: CETP (cholesteryl ester transfer protein; plus strand). Cytogenetic location: 16q13.
Variant type: Deletion.
Coding change: c.953_962del on transcript NM_000078.3 (MANE Select); coding-DNA positions 953 to 962, 10 bases deleted (TCAACACCAA; older notation c.953_962delTCAACACCAA).
Protein change: p.Phe318fs; shifts the reading frame from phenylalanine 318.
Molecular consequence: frameshift variant.
Genome position (GRCh38, 1-based): chr16:56,975,123-56,975,132, TCAACACCAA deleted. VCF-style (leftmost placement, unchanged base first): chr16-56975122-TTCAACACCAA-T. GRCh37 (hg19) VCF-style: chr16-57009034-TTCAACACCAA-T.
Other names: c.773_782del, p.Phe258fs (NM_001286085.2); c.953_962delTCAACACCAA (NM_000078.2); c.953_962del (NM_000078.2); short protein forms F318fs, F258fs.
Identifiers: ClinVar variation 426658 (VCV000426658.3), dbSNP rs779824367, ClinGen allele CA8071166.